The following is an entry in ClinVar:

NM_001130438.3(SPTAN1):c.3194G>A (p.Arg1065His)

Gene: SPTAN1 (spectrin alpha, non-erythrocytic 1; plus strand). Cytogenetic location: 9q34.11.
Variant type: single nucleotide variant.
Coding change: c.3194G>A on transcript NM_001130438.3 (MANE Select); coding-DNA position 3194, G replaced by A.
Protein change: p.Arg1065His; replaces arginine 1065 with histidine.
Molecular consequence: missense variant. On other transcripts: intron variant (3).
Genome position (GRCh38, 1-based): chr9:128,593,021, G>A. VCF-style: chr9-128593021-G-A. GRCh37 (hg19) VCF-style: chr9-131355300-G-A.
Other names: c.3194G>A, p.Arg1065His (NM_001363759.2, NM_001375310.1, NM_001375311.2 and 2 more transcripts); c.3230G>A, p.Arg1077His (NM_001375312.2, NM_001375318.1); c.3156-1154G>A (NM_001375314.2, NM_001363765.2, NM_001195532.2); short protein forms R1065H, R1077H.
Identifiers: ClinVar variation 854884 (VCV000854884.50), dbSNP rs199561983, ClinGen allele CA200389385.

ClinVar aggregate classification (germline): Uncertain significance. Review status: criteria provided, multiple submitters, no conflicts (2 of 4 stars). 3 submissions from 3 submitters: Uncertain significance (3). Last evaluated 2025-02-17.

Conditions:
Developmental and epileptic encephalopathy, 5 (DEE5). Identifiers: Orphanet 3451, MedGen C3150731, MONDO:0013277, OMIM 613477.
Early-infantile DEE. Also called: Early infantile epileptic encephalopathy; Ohtahara syndrome; Early infantile epileptic encephalopathy with suppression bursts. Identifiers: Orphanet 1934, MedGen C0393706, MONDO:0800491.

Allele frequency attached by ClinVar (database versions not stated): gnomAD 0.00001; gnomAD exomes 0.00001 and 0.00002; TOPMed 0.00002.
gnomAD v4.1: 12 of 1,610,210 alleles (0.00075%); highest among the groups gnomAD compares: Middle Eastern, 0.033%; no homozygotes.

Submissions (3):

Labcorp Genetics (formerly Invitae), Labcorp
Classification: Uncertain significance for Early-infantile DEE. Last evaluated: 2025-02-17. Review status: criteria provided, single submitter. Criteria: Invitae Variant Classification Sherloc (09022015). Collection method: clinical testing. Allele origin: germline.
Comment: This sequence change replaces arginine, which is basic and polar, with histidine, which is basic and polar, at codon 1065 of the SPTAN1 protein (p.Arg1065His). The frequency data for this variant in the population databases is considered unreliable, as metrics indicate poor data quality at this position in the gnomAD database. This variant has not been reported in the literature in individuals affected with SPTAN1-related conditions. ClinVar contains an entry for this variant (Variation ID: 854884). Invitae Evidence Modeling of protein sequence and biophysical properties (such as structural, functional, and spatial information, amino acid conservation, physicochemical variation, residue mobility, and thermodynamic stability) has been performed for this missense variant. However, the output from this modeling did not meet the statistical confidence thresholds required to predict the impact of this variant on SPTAN1 protein function. In summary, the available evidence is currently insufficient to determine the role of this variant in disease. Therefore, it has been classified as a Variant of Uncertain Significance.

Genome-Nilou Lab
Classification: Uncertain significance for Developmental and epileptic encephalopathy, 5. Last evaluated: 2021-07-15. Review status: criteria provided, single submitter. Criteria: ACMG Guidelines, 2015. Collection method: clinical testing. Allele origin: germline. Affected: no.

CeGaT Center for Human Genetics Tuebingen
Classification: Uncertain significance. Last evaluated: 2019-08-01. Review status: criteria provided, single submitter. Criteria: CeGaT Center For Human Genetics Tuebingen Variant Classification Criteria Version 2. Collection method: clinical testing. Allele origin: germline. Affected: yes. Observed: 1 variant allele.